The following is an entry in ClinVar:

NM_016222.4(DDX41):c.192G>A (p.Gln64=)

Gene: DDX41 (DEAD-box helicase 41; minus strand). Cytogenetic location: 5q35.3.
Variant type: single nucleotide variant.
Coding change: c.192G>A on transcript NM_016222.4 (MANE Select); coding-DNA position 192, G replaced by A.
Protein change: p.Gln64=; no amino-acid change (glutamine 64 retained).
Molecular consequence: synonymous variant. On other transcripts: 5 prime UTR variant (2).
Genome position (GRCh38, 1-based): chr5:177,516,394, C>T on the plus strand (G>A on the coding strand, the complement: DDX41 is on the minus strand). VCF-style: chr5-177516394-C-T. GRCh37 (hg19) VCF-style: chr5-176943395-C-T.
Other names: c.-187G>A (NM_001321732.2, NM_001321830.2); c.192G>A (NM_016222.2).
Identifiers: ClinVar variation 3032027 (VCV003032027.3), dbSNP rs777790499, ClinGen allele CA3585309.
Genomic context (GRCh38, chr5:177,516,394, plus strand): 5'-GTTGGACTGAGGGCCTAGCGGGATGTCGTCCTCATCTCCCCGGGGTTCACTACCGCTGTC[C>T]TGCTGCTCTTCCTCCGCAGCTCCCTTGCGTCTTCGCTGCAGCAGCTTCTGGAGCTGAGGT-3'
Protein context (NP_057306.2, residues 54-74): RRKGAAEEEQ[Gln64=]DSGSEPRGDE

ClinVar aggregate classification (germline): Likely benign. Review status: criteria provided, single submitter (1 of 4 stars). 2 submissions from 2 submitters: Likely benign (1). 1 of the submissions does not count toward it. Last evaluated 2025-01-13.

Conditions:
Inborn genetic diseases. Identifiers: MedGen C0950123, MeSH D030342.
DDX41-related disorder. Also called: DDX41-related condition.

Allele frequency attached by ClinVar (database versions not stated): ExAC 0.00001; TOPMed 0.00001; gnomAD 0.00003.
gnomAD v4.1: 7 of 1,613,868 alleles (0.00043%); highest among the groups gnomAD compares: African/African-American, 0.008%; no homozygotes.

Submissions (2):

Ambry Genetics
Classification: Likely benign for Inborn genetic diseases. Last evaluated: 2025-01-13. Review status: criteria provided, single submitter. Criteria: Ambry Variant Classification Scheme 2023. Collection method: clinical testing. Allele origin: germline.

PreventionGenetics, part of Exact Sciences
Classification: Likely benign for DDX41-related condition. Last evaluated: 2023-09-29. Review status: no assertion criteria provided. Collection method: clinical testing. Allele origin: germline. Not counted in ClinVar's aggregate classification.
Comment: This variant is classified as likely benign based on ACMG/AMP sequence variant interpretation guidelines (Richards et al. 2015 PMID: 25741868, with internal and published modifications).